The following is an entry in ClinVar:

ClinVar aggregate classification (germline): Uncertain significance (1 of 4 stars; one submission).

Allele frequency attached by ClinVar (database versions not stated): TOPMed 0.00005; ExAC 0.00007; gnomAD 0.00007.
gnomAD v4.1: 119 of 1,606,482 alleles (0.0074%); highest among the groups gnomAD compares: East Asian, 0.071%; 1 homozygote.

Submission:

Labcorp Genetics (formerly Invitae), Labcorp
Classification: Uncertain significance. Last evaluated: 2025-08-26. Review status: criteria provided, single submitter. Criteria: Invitae Variant Classification Sherloc (09022015). Collection method: clinical testing. Allele origin: germline.
Comment: This sequence change replaces proline, which is neutral and non-polar, with leucine, which is neutral and non-polar, at codon 757 of the TNK2 protein (p.Pro757Leu). This variant is present in population databases (rs769773996, gnomAD 0.03%). This variant has not been reported in the literature in individuals affected with TNK2-related conditions. ClinVar contains an entry for this variant (Variation ID: 1976707). An algorithm developed to predict the effect of missense changes on protein structure and function outputs the following: PolyPhen-2: "Benign". The leucine amino acid residue is found in multiple mammalian species, which suggests that this missense change does not adversely affect protein function. In summary, the available evidence is currently insufficient to determine the role of this variant in disease. Therefore, it has been classified as a Variant of Uncertain Significance.

NM_001382273.1(TNK2):c.2081C>T (p.Pro694Leu)

Gene: TNK2 (tyrosine kinase non receptor 2; minus strand). Cytogenetic location: 3q29.
Variant type: single nucleotide variant.
Coding change: c.2081C>T on transcript NM_001382273.1 (MANE Select); coding-DNA position 2081, C replaced by T.
Protein change: p.Pro694Leu; replaces proline 694 with leucine.
Molecular consequence: missense variant. On other transcripts: non-coding transcript variant (15).
Genome position (GRCh38, 1-based): chr3:195,868,217, G>A on the plus strand (C>T on the coding strand, the complement: TNK2 is on the minus strand). VCF-style: chr3-195868217-G-A. GRCh37 (hg19) VCF-style: chr3-195595088-G-A.
Other names: c.2153C>T, p.Pro718Leu (NM_001010938.2, NM_001382272.1); c.2132C>T, p.Pro711Leu (NM_001308046.2, NM_001382271.1); c.2081C>T, p.Pro694Leu (NM_001382274.1, NM_001387716.1, NM_001387717.1 and 1 more transcripts); c.2177C>T, p.Pro726Leu (NM_001382275.1, NM_001387707.1); c.2036C>T, p.Pro679Leu (NM_001386164.1, NM_001387709.1, NM_001387710.1 and 8 more transcripts); c.2108C>T, p.Pro703Leu (NM_001387708.1, NM_001387715.1); short protein forms P711L, P726L, P679L, P703L, P718L, P694L.
Identifiers: ClinVar variation 1976707 (VCV001976707.5), dbSNP rs769773996, ClinGen allele CA2776079.